The following is an entry in ClinVar:

NM_007294.4(BRCA1):c.5534A>C (p.Tyr1845Ser)

Gene: BRCA1 (BRCA1 DNA repair associated; minus strand). Cytogenetic location: 17q21.31.
Variant type: single nucleotide variant.
Coding change: c.5534A>C on transcript NM_007294.4 (MANE Select); coding-DNA position 5534, A replaced by C.
Protein change: p.Tyr1845Ser; replaces tyrosine 1845 with serine.
Molecular consequence: missense variant. On other transcripts: 3 prime UTR variant (1), non-coding transcript variant (1).
Genome position (GRCh38, 1-based): chr17:43,045,736, T>G on the plus strand (A>C on the coding strand, the complement: BRCA1 is on the minus strand). VCF-style: chr17-43045736-T-G. GRCh37 (hg19) VCF-style: chr17-41197753-T-G.
Other names: c.5594A>C, p.Tyr1865Ser (NM_001407590.1, NM_001407591.1); c.5534A>C, p.Tyr1845Ser (NM_001407593.1, NM_001407594.1, NM_001407596.1 and 5 more transcripts); c.5531A>C, p.Tyr1844Ser (NM_001407619.1, NM_001407620.1, NM_001407621.1 and 14 more transcripts); c.5528A>C, p.Tyr1843Ser (NM_001407627.1, NM_001407628.1, NM_001407638.1 and 13 more transcripts); c.5525A>C, p.Tyr1842Ser (NM_001407644.1, NM_001407645.1); c.5522A>C, p.Tyr1841Ser (NM_001407646.1); c.5519A>C, p.Tyr1840Ser (NM_001407647.1); c.5477A>C, p.Tyr1826Ser (NM_001407648.1); and 74 more; short protein forms Y1798S, Y741S, Y1866S, Y1845S, Y1691S, Y1755S, Y1757S, Y1778S.
Identifiers: ClinVar variation 869018 (VCV000869018.3), dbSNP rs876660280, ClinGen allele CA10590254.

Conditions:
Breast-ovarian cancer, familial, susceptibility to, 1 (BROVCA1). Also called: BRCA1 Hereditary Breast and Ovarian Cancer; OVARIAN CANCER, SUSCEPTIBILITY TO. Identifiers: Orphanet 145, MedGen C2676676, MONDO:0011450, OMIM 604370. Disease mechanism: loss of function.

Submission:

Brotman Baty Institute, University of Washington
No classification provided (evidence only). Condition: Breast-ovarian cancer, familial 1. Review status: no classification provided. Collection method: in vitro. Allele origin: not applicable. Functional consequence: functionally_normal.
ClinVar note: "not provided" was previously submitted as the classification for the variant. However, the classification appeared to be based only on an observation of functional data so it was converted to no classification on 2025-07-30.